The following is an entry in ClinVar:

ClinVar aggregate classification (germline): Likely pathogenic. Review status: criteria provided, multiple submitters, no conflicts (2 of 4 stars). 2 submissions from 2 submitters: Likely pathogenic (2). Last evaluated 2023-11-01.

Allele frequency attached by ClinVar (database versions not stated): gnomAD exomes below 0.00001.
gnomAD v4.1: 2 of 1,610,824 alleles (0.00012%); highest among the groups gnomAD compares: East Asian, 0.0022%; no homozygotes.

Submissions (2):

Labcorp Genetics (formerly Invitae), Labcorp
Classification: Likely pathogenic. Last evaluated: 2023-11-01. Review status: criteria provided, single submitter. Criteria: Invitae Variant Classification Sherloc (09022015). Collection method: clinical testing. Allele origin: germline.
Comment: This sequence change affects a donor splice site in intron 14 of the CNGB3 gene. It is expected to disrupt RNA splicing. Variants that disrupt the donor or acceptor splice site typically lead to a loss of protein function (PMID: 16199547), and loss-of-function variants in CNGB3 are known to be pathogenic (PMID: 28795510). This variant is not present in population databases (gnomAD no frequency). This variant has not been reported in the literature in individuals affected with CNGB3-related conditions. ClinVar contains an entry for this variant (Variation ID: 424095). Algorithms developed to predict the effect of sequence changes on RNA splicing suggest that this variant may disrupt the consensus splice site. In summary, the currently available evidence indicates that the variant is pathogenic, but additional data are needed to prove that conclusively. Therefore, this variant has been classified as Likely Pathogenic.

GeneDx
Classification: Likely pathogenic. Last evaluated: 2017-03-21. Review status: criteria provided, single submitter. Criteria: GeneDx Variant Classification (06012015). Collection method: clinical testing. Allele origin: germline. Affected: yes.
Comment: The c.1662+1G>A variant in the CNGB3 gene has not been reported previously as a pathogenic variant nor as a benign variant, to our knowledge. This splice site variant destroys the canonical splice donor site in intron 14. It is predicted to cause abnormal gene splicing, either leading to an abnormal message that is subject to nonsense-mediated mRNA decay, or to an abnormal protein product if the message is used for protein translation. The c.1662+1G>A variant is not observed in large population cohorts (Lek et al., 2016; 1000 Genomes Consortium et al., 2015; Exome Variant Server). We interpret c.1662+1G>A as a likely pathogenic variant; however, the possibility it is a rare benign variant cannot be excluded.

Literature cited by the submitters: PubMed 16199547 (cited by Labcorp Genetics (formerly Invitae), Labcorp); PubMed 28795510 (cited by Labcorp Genetics (formerly Invitae), Labcorp).

NM_019098.5(CNGB3):c.1662+1G>A

Gene: CNGB3 (cyclic nucleotide gated channel subunit beta 3; minus strand). Cytogenetic location: 8q21.3.
Variant type: single nucleotide variant.
Coding change: c.1662+1G>A on transcript NM_019098.5 (MANE Select); the canonical splice donor site of the intron after coding-DNA position 1662, G replaced by A.
Molecular consequence: splice donor variant.
Genome position (GRCh38, 1-based): chr8:86,611,587, C>T on the plus strand (G>A on the coding strand, the complement: CNGB3 is on the minus strand). VCF-style: chr8-86611587-C-T. GRCh37 (hg19) VCF-style: chr8-87623815-C-T.
Identifiers: ClinVar variation 424095 (VCV000424095.9), dbSNP rs1064796793, ClinGen allele CA16618694.